The following is an entry in ClinVar:

NM_014974.3(DIP2C):c.3476C>T (p.Ala1159Val)

Gene: DIP2C (DIP2 acetate--CoA ligase C (putative); minus strand). Cytogenetic location: 10p15.3.
Variant type: single nucleotide variant.
Coding change: c.3476C>T on transcript NM_014974.3 (MANE Select); coding-DNA position 3476, C replaced by T.
Protein change: p.Ala1159Val; replaces alanine 1159 with valine.
Molecular consequence: missense variant.
Genome position (GRCh38, 1-based): chr10:341,307, G>A on the plus strand (C>T on the coding strand, the complement: DIP2C is on the minus strand). VCF-style: chr10-341307-G-A. GRCh37 (hg19) VCF-style: chr10-387247-G-A.
Other names: short protein forms A1159V.
Identifiers: ClinVar variation 2777301 (VCV002777301.3), dbSNP rs2540529042, ClinGen allele CA375829329.

ClinVar aggregate classification (germline): Uncertain significance (1 of 4 stars; one submission).

Submission:

Labcorp Genetics (formerly Invitae), Labcorp
Classification: Uncertain significance. Last evaluated: 2024-06-24. Review status: criteria provided, single submitter. Criteria: Invitae Variant Classification Sherloc (09022015). Collection method: clinical testing. Allele origin: germline.
Comment: This sequence change replaces alanine, which is neutral and non-polar, with valine, which is neutral and non-polar, at codon 1159 of the DIP2C protein (p.Ala1159Val). This variant is not present in population databases (gnomAD no frequency). This variant has not been reported in the literature in individuals affected with DIP2C-related conditions. An algorithm developed to predict the effect of missense changes on protein structure and function (PolyPhen-2) suggests that this variant is likely to be disruptive. In summary, the available evidence is currently insufficient to determine the role of this variant in disease. Therefore, it has been classified as a Variant of Uncertain Significance.